The following is an entry in ClinVar:

ClinVar aggregate classification (germline): Uncertain significance (1 of 4 stars; one submission).

Conditions:
T-cell immunodeficiency, congenital alopecia, and nail dystrophy. Also called: Congenital alopecia and nail dystrophy associated with severe functional T-cell immunodeficiency; Pignata Guarino syndrome. Identifiers: Orphanet 169095, MedGen C1866426, MONDO:0011132, OMIM 601705.

Submission:

Labcorp Genetics (formerly Invitae), Labcorp
Classification: Uncertain significance for T-cell immunodeficiency, congenital alopecia, and nail dystrophy. Last evaluated: 2024-07-19. Review status: criteria provided, single submitter. Criteria: Invitae Variant Classification Sherloc (09022015). Collection method: clinical testing. Allele origin: germline.
Comment: This sequence change falls in intron 3 of the FOXN1 gene. It does not directly change the encoded amino acid sequence of the FOXN1 protein. It affects a nucleotide within the consensus splice site. This variant is not present in population databases (gnomAD no frequency). This variant has not been reported in the literature in individuals affected with FOXN1-related conditions. Variants that disrupt the consensus splice site are a relatively common cause of aberrant splicing (PMID: 17576681, 9536098). Algorithms developed to predict the effect of sequence changes on RNA splicing suggest that this variant may disrupt the consensus splice site. In summary, the available evidence is currently insufficient to determine the role of this variant in disease. Therefore, it has been classified as a Variant of Uncertain Significance.

Literature cited by the submitters: PubMed 17576681; PubMed 9536098.

NM_001369369.1(FOXN1):c.699+3_699+6del

Gene: FOXN1 (forkhead box N1; plus strand). Cytogenetic location: 17q11.2.
Variant type: Deletion.
Coding change: c.699+3_699+6del on transcript NM_001369369.1 (MANE Select); bases 3 to 6 of the intron after coding-DNA position 699, 4 bases deleted (GGGT; older notation c.699+3_699+6delGGGT).
Molecular consequence: splice donor variant.
Genome position (GRCh38, 1-based): chr17:28,527,364-28,527,367, GGGT deleted; deleting any 4 consecutive bases within chr17:28,527,361-28,527,367 gives the same sequence; the c. name uses the placement nearest the transcript's 3' end. VCF-style (leftmost placement, unchanged base first): chr17-28527360-AGGTG-A. GRCh37 (hg19) VCF-style: chr17-26854378-AGGTG-A.
Other names: c.699+3_699+6del (NM_003593.3).
Identifiers: ClinVar variation 3659949 (VCV003659949.2).